The following is an entry in ClinVar:

NM_004369.4(COL6A3):c.5100G>A (p.Arg1700=)

Gene: COL6A3 (collagen type VI alpha 3 chain; minus strand). Cytogenetic location: 2q37.3.
Variant type: single nucleotide variant.
Coding change: c.5100G>A on transcript NM_004369.4 (MANE Select); coding-DNA position 5100, G replaced by A.
Protein change: p.Arg1700=; no amino-acid change (arginine 1700 retained).
Molecular consequence: synonymous variant.
Genome position (GRCh38, 1-based): chr2:237,367,087, C>T on the plus strand (G>A on the coding strand, the complement: COL6A3 is on the minus strand). VCF-style: chr2-237367087-C-T. GRCh37 (hg19) VCF-style: chr2-238275730-C-T.
Other names: p.Arg1700=; c.3279G>A, p.Arg1093= (NM_057166.5); c.4482G>A, p.Arg1494= (NM_057167.4).
Identifiers: ClinVar variation 94943 (VCV000094943.26), dbSNP rs34340053, ClinGen allele CA147983.
Genomic context (GRCh38, chr2:237,367,087, plus strand): 5'-CTTAGTGTTGGCGTGTCTTCCCCCTTTGTAGACCACTTTGTTGATGGCGTCAATAATCTG[C>T]CTCTTGGTAGAGAAGTCCTTCAGGAAGAATTCGTCAGTGGGGTCAGAGTTGTACTGGACA-3'
Protein context (NP_004360.2, residues 1690-1710): EFFLKDFSTK[Arg1700=]QIIDAINKVV

ClinVar aggregate classification (germline): Benign. Review status: criteria provided, multiple submitters, no conflicts (2 of 4 stars). 8 submissions from 8 submitters: Benign (7). 1 of the submissions does not count toward it. Last evaluated 2026-01-28.

Conditions:
Collagen 6-related myopathy. Identifiers: MedGen CN117976, MONDO:0100225.
Bethlem myopathy 1A. Also called: Bethlem myopathy 1; Bethlem Muscular Dystrophy; MYOPATHY, BENIGN CONGENITAL, WITH CONTRACTURES. Identifiers: Orphanet 610, MedGen CN029274, MONDO:0024530, OMIM 158810.

Allele frequency attached by ClinVar (database versions not stated): gnomAD exomes 0.00194 and 0.00497; gnomAD 0.01965 and 0.02105; ExAC 0.00629; 1000 Genomes Project 30x 0.02358; ESP Exome Variant Server 0.02253; 1000 Genomes Project 0.02196; TOPMed 0.02206.
gnomAD v4.1: 5,963 of 1,614,194 alleles (0.37%); highest among the groups gnomAD compares: African/African-American, 6.7%; 190 homozygotes.

Submissions (8):

Labcorp Genetics (formerly Invitae), Labcorp
Classification: Benign for Bethlem myopathy 1A. Last evaluated: 2026-01-28. Review status: criteria provided, single submitter. Criteria: Invitae Variant Classification Sherloc (09022015). Collection method: clinical testing. Allele origin: germline.

Illumina Laboratory Services, Illumina
Classification: Benign for Collagen VI-related myopathy. Last evaluated: 2018-01-12. Review status: criteria provided, single submitter. Criteria: ICSL Variant Classification Criteria 13 December 2019. Collection method: clinical testing. Allele origin: germline.
Comment: This variant was observed in the ICSL laboratory as part of a predisposition screen in an ostensibly healthy population. It had not been previously curated by ICSL or reported in the Human Gene Mutation Database (HGMD: prior to June 1st, 2018), and was therefore a candidate for classification through an automated scoring system. Utilizing variant allele frequency, disease prevalence and penetrance estimates, and inheritance mode, an automated score was calculated to assess if this variant is too frequent to cause the disease. Based on the score and internal cut-off values, a variant classified as benign is not then subjected to further curation. The score for this variant resulted in a classification of benign for this disease.

Mayo Clinic Laboratories, Mayo Clinic
Classification: Benign. Last evaluated: 2017-12-11. Review status: criteria provided, single submitter. Criteria: ACMG Guidelines, 2015. Collection method: clinical testing. Allele origin: germline. Observed: 7 variant alleles.

GeneDx
Classification: Benign. Last evaluated: 2016-03-29. Review status: criteria provided, single submitter. Criteria: GeneDx Variant Classification (06012015). Collection method: clinical testing. Allele origin: germline. Affected: yes.
Comment: This variant is considered likely benign or benign based on one or more of the following criteria: it is a conservative change, it occurs at a poorly conserved position in the protein, it is predicted to be benign by multiple in silico algorithms, and/or has population frequency not consistent with disease.

Eurofins Ntd Llc (ga)
Classification: Benign. Last evaluated: 2012-11-05. Review status: criteria provided, single submitter. Criteria: EGL Classification Definitions 2015. Collection method: clinical testing. Allele origin: germline. Observed: 3 variant alleles, 3 heterozygotes.

Breakthrough Genomics
Classification: Benign. Review status: criteria provided, single submitter. Criteria: ACMG Guidelines, 2015. Collection method: not provided. Allele origin: germline. Inheritance: Autosomal recessive inheritance. Affected: yes.

PreventionGenetics, part of Exact Sciences
Classification: Benign. Review status: criteria provided, single submitter. Criteria: ACMG Guidelines, 2015. Collection method: clinical testing. Allele origin: germline.

Genetic Services Laboratory, University of Chicago
Classification: Likely benign for AllHighlyPenetrant. Review status: no assertion criteria provided. Collection method: clinical testing. Allele origin: germline. Not counted in ClinVar's aggregate classification.
Comment: Likely benign based on allele frequency in 1000 Genomes Project or ESP global frequency and its presence in a patient with a rare or unrelated disease phenotype. NOT Sanger confirmed.